The following is an entry in ClinVar:

NM_006421.5(ARFGEF1):c.806C>A (p.Thr269Lys)

Gene: ARFGEF1 (ARF guanine nucleotide exchange factor 1; minus strand). Cytogenetic location: 8q13.2.
Variant type: single nucleotide variant.
Coding change: c.806C>A on transcript NM_006421.5 (MANE Select); coding-DNA position 806, C replaced by A.
Protein change: p.Thr269Lys; replaces threonine 269 with lysine.
Molecular consequence: missense variant. On other transcripts: 5 prime UTR variant (1), non-coding transcript variant (1).
Genome position (GRCh38, 1-based): chr8:67,291,957, G>T on the plus strand (C>A on the coding strand, the complement: ARFGEF1 is on the minus strand). VCF-style: chr8-67291957-G-T. GRCh37 (hg19) VCF-style: chr8-68204192-G-T.
Other names: c.806C>A, p.Thr269Lys (NM_001413184.1, NM_001413185.1, NM_001413186.1 and 7 more transcripts); c.206C>A, p.Thr69Lys (NM_001413188.1, NM_001413193.1, NM_001413197.1); c.-310C>A (NM_001413196.1); short protein forms T269K, T69K.
Identifiers: ClinVar variation 3573854 (VCV003573854.1).
Genomic context (GRCh38, chr8:67,291,957, plus strand): 5'-GAAATATCAGATCCATTTTCAGGCTCTGTGTCATCCTGAAGACTTTTATCTACATCATTT[G>T]TATGGAGGTCAAGGTCCCCTTCGTGTTCTTGGGATATATGATCAACAGTCTGAGGTGGCA-3'
Protein context (NP_006412.2, residues 259-279): QEHEGDLDLH[Thr269Lys]NDVDKSLQDD

ClinVar aggregate classification (germline): Uncertain significance (1 of 4 stars; one submission).

Submission:

GeneDx
Classification: Uncertain significance. Last evaluated: 2024-07-16. Review status: criteria provided, single submitter. Criteria: GeneDx Variant Classification Process June 2021. Collection method: clinical testing. Allele origin: germline. Affected: yes.
Comment: Not observed at significant frequency in large population cohorts (gnomAD); In silico analysis indicates that this missense variant does not alter protein structure/function; Has not been previously published as pathogenic or benign to our knowledge